The following is an entry in ClinVar:

NM_000051.4(ATM):c.4993A>G (p.Lys1665Glu)

Gene: ATM (ATM serine/threonine kinase; plus strand). Cytogenetic location: 11q22.3.
Variant type: single nucleotide variant.
Coding change: c.4993A>G on transcript NM_000051.4 (MANE Select); coding-DNA position 4993, A replaced by G.
Protein change: p.Lys1665Glu; replaces lysine 1665 with glutamic acid.
Molecular consequence: missense variant.
Genome position (GRCh38, 1-based): chr11:108,297,370, A>G. VCF-style: chr11-108297370-A-G. GRCh37 (hg19) VCF-style: chr11-108168097-A-G.
Other names: c.4993A>G, p.Lys1665Glu (NM_001351834.2); short protein forms K1665E.
Identifiers: ClinVar variation 4747225 (VCV004747225.1).

ClinVar aggregate classification (germline): Uncertain significance (1 of 4 stars; one submission).

Conditions:
Ataxia-telangiectasia syndrome (AT). Also called: Ataxia-telangiectasia, complementation group D; AT, COMPLEMENTATION GROUP C; Ataxia-telangiectasia; Ataxia telangiectasia (A-T); LOUIS-BAR SYNDROME; Cerebello-oculocutaneous telangiectasia. Identifiers: Orphanet 100, MedGen C0004135, MONDO:0008840, OMIM 208900.

Submission:

Labcorp Genetics (formerly Invitae), Labcorp
Classification: Uncertain significance for Ataxia-telangiectasia syndrome. Last evaluated: 2025-10-27. Review status: criteria provided, single submitter. Criteria: Invitae Variant Classification Sherloc (09022015). Collection method: clinical testing. Allele origin: germline.
Comment: This sequence change replaces lysine, which is basic and polar, with glutamic acid, which is acidic and polar, at codon 1665 of the ATM protein (p.Lys1665Glu). This variant is not present in population databases (gnomAD no frequency). This variant has not been reported in the literature in individuals affected with ATM-related conditions. Invitae Evidence Modeling of protein sequence and biophysical properties (such as structural, functional, and spatial information, amino acid conservation, physicochemical variation, residue mobility, and thermodynamic stability) indicates that this missense variant is not expected to disrupt ATM protein function with a negative predictive value of 95%. In summary, the available evidence is currently insufficient to determine the role of this variant in disease. Therefore, it has been classified as a Variant of Uncertain Significance.